The following is an entry in ClinVar:

ClinVar aggregate classification (germline): Conflicting classifications of pathogenicity. Review status: criteria provided, conflicting classifications (1 of 4 stars). 3 submissions from 3 submitters: Likely pathogenic (2); Uncertain significance (1). Last evaluated 2022-07-18.

Conditions:
Intellectual developmental disorder, X-linked, syndromic, Raymond type. Also called: Syndromic X-linked intellectual disability Raymond type. Identifiers: MedGen C3275406, MONDO:0010427, OMIM 300799.

Submissions (3):

Institute for Clinical Genetics, University Hospital TU Dresden, University Hospital TU Dresden
Classification: Likely pathogenic. Last evaluated: 2022-07-18. Review status: criteria provided, single submitter. Criteria: ACMG Guidelines, 2015. Collection method: clinical testing. Allele origin: maternal.
Comment: PS4, PP3, PM2_SUP, PP1

Laboratorio de Genetica e Diagnostico Molecular, Hospital Israelita Albert Einstein
Classification: Uncertain significance for Intellectual developmental disorder, X-linked, syndromic, Raymond type. Last evaluated: 2022-06-24. Review status: criteria provided, single submitter. Criteria: ACMG Guidelines, 2015. Collection method: clinical testing. Allele origin: germline. Affected: yes. Observed: 1 variant allele.
Comment: ACMG classification criteria: PM2 moderated

Equipe Genetique des Anomalies du Developpement, Université de Bourgogne
Classification: Likely pathogenic for Intellectual developmental disorder, X-linked, syndromic, Raymond type. Last evaluated: 2021-10-18. Review status: criteria provided, single submitter. Criteria: ACMG Guidelines, 2015. Collection method: clinical testing. Allele origin: maternal. Affected: yes.

NM_016032.4(ZDHHC9):c.496G>A (p.Asp166Asn)

Gene: ZDHHC9 (zDHHC palmitoyltransferase 9; minus strand). Cytogenetic location: Xq26.1.
Variant type: single nucleotide variant.
Coding change: c.496G>A on transcript NM_016032.4 (MANE Select); coding-DNA position 496, G replaced by A.
Protein change: p.Asp166Asn; replaces aspartic acid 166 with asparagine.
Molecular consequence: missense variant.
Genome position (GRCh38, 1-based): chrX:129,814,787, C>T on the plus strand (G>A on the coding strand, the complement: ZDHHC9 is on the minus strand). VCF-style: chrX-129814787-C-T. GRCh37 (hg19) VCF-style: chrX-128948763-C-T.
Other names: c.496G>A, p.Asp166Asn (NM_001008222.3); short protein forms D166N.
Identifiers: ClinVar variation 1308638 (VCV001308638.3), dbSNP rs2124105757, ClinGen allele CA414587155.